The following is an entry in ClinVar:

ClinVar aggregate classification (germline): Benign. Review status: criteria provided, multiple submitters, no conflicts (2 of 4 stars). 4 submissions from 4 submitters: Benign (4). Last evaluated 2026-01-19.

Conditions:
Pseudohypoaldosteronism type 2B (PHA2B). Also called: Pseudohypoaldosteronism Type IIB. Identifiers: Orphanet 757, Orphanet 88939, MedGen C1840390, MONDO:0013777, OMIM 614491.

Allele frequency attached by ClinVar (database versions not stated): gnomAD exomes 0.00107 and 0.00282; ExAC 0.00362; gnomAD 0.01073 and 0.01150; 1000 Genomes Project 0.01118; 1000 Genomes Project 30x 0.01171; TOPMed 0.01258; ESP Exome Variant Server 0.01315.
gnomAD v4.1: 3,311 of 1,614,076 alleles (0.21%); highest among the groups gnomAD compares: African/African-American, 3.8%; 49 homozygotes.

Submissions (4):

Labcorp Genetics (formerly Invitae), Labcorp
Classification: Benign. Last evaluated: 2026-01-19. Review status: criteria provided, single submitter. Criteria: Invitae Variant Classification Sherloc (09022015). Collection method: clinical testing. Allele origin: germline.

Mayo Clinic Laboratories, Mayo Clinic
Classification: Benign. Last evaluated: 2024-09-12. Review status: criteria provided, single submitter. Criteria: ACMG Guidelines, 2015. Collection method: clinical testing. Allele origin: germline. Observed: 4 variant alleles.
Comment: BS1, BS2, BP4

Illumina Laboratory Services, Illumina
Classification: Benign for Pseudohypoaldosteronism type 2B. Last evaluated: 2018-01-13. Review status: criteria provided, single submitter. Criteria: ICSL Variant Classification Criteria 13 December 2019. Collection method: clinical testing. Allele origin: germline.
Comment: This variant was observed in the ICSL laboratory as part of a predisposition screen in an ostensibly healthy population. It had not been previously curated by ICSL or reported in the Human Gene Mutation Database (HGMD: prior to June 1st, 2018), and was therefore a candidate for classification through an automated scoring system. Utilizing variant allele frequency, disease prevalence and penetrance estimates, and inheritance mode, an automated score was calculated to assess if this variant is too frequent to cause the disease. Based on the score and internal cut-off values, a variant classified as benign is not then subjected to further curation. The score for this variant resulted in a classification of benign for this disease.

Breakthrough Genomics
Classification: Benign. Review status: criteria provided, single submitter. Criteria: ACMG Guidelines, 2015. Collection method: not provided. Allele origin: germline. Inheritance: Autosomal dominant inheritance. Affected: yes.

NM_032387.5(WNK4):c.2672C>T (p.Thr891Met)

Gene: WNK4 (WNK lysine deficient protein kinase 4; plus strand). Cytogenetic location: 17q21.2.
Variant type: single nucleotide variant.
Coding change: c.2672C>T on transcript NM_032387.5 (MANE Select); coding-DNA position 2672, C replaced by T.
Protein change: p.Thr891Met; replaces threonine 891 with methionine.
Molecular consequence: missense variant.
Genome position (GRCh38, 1-based): chr17:42,795,093, C>T. VCF-style: chr17-42795093-C-T. GRCh37 (hg19) VCF-style: chr17-40947111-C-T.
Other names: p.Thr891Met; c.1664C>T, p.Thr555Met (NM_001321299.2); short protein forms T891M, T555M.
Identifiers: ClinVar variation 323342 (VCV000323342.15), dbSNP rs56081375, ClinGen allele CA8584420.
Genomic context (GRCh38, chr17:42,795,093, plus strand): 5'-AGTTTCCGGTCCCACTCTCTCAGTGTCCCTGGAGTTCTCTCCCCACGACTTCTCCACCTA[C>T]GTTCTCTCCCACTTGTTCTCAGGTCACTCTTAGTTCCCCTTTCTTTCCTCCGTGCCCCTC-3'
Protein context (NP_115763.2, residues 881-901): WSSLPTTSPP[Thr891Met]FSPTCSQVTL